The following is an entry in ClinVar:

ClinVar aggregate classification (germline): Uncertain significance. Review status: criteria provided, multiple submitters, no conflicts (2 of 4 stars). 2 submissions from 2 submitters: Uncertain significance (2). Last evaluated 2025-06-11.

Conditions:
Inborn genetic diseases. Identifiers: MedGen C0950123, MeSH D030342.

Allele frequency attached by ClinVar (database versions not stated): gnomAD 0.00001; TOPMed 0.00001; gnomAD exomes 0.00002; ExAC 0.00003.
gnomAD v4.1: 4 of 1,613,146 alleles (0.00025%); highest among the groups gnomAD compares: East Asian, 0.0089%; no homozygotes.

Submissions (2):

Ambry Genetics
Classification: Uncertain significance for Inborn genetic diseases. Last evaluated: 2025-06-11. Review status: criteria provided, single submitter. Criteria: Ambry Variant Classification Scheme 2023. Collection method: clinical testing. Allele origin: germline.

Labcorp Genetics (formerly Invitae), Labcorp
Classification: Uncertain significance. Last evaluated: 2023-02-25. Review status: criteria provided, single submitter. Criteria: Invitae Variant Classification Sherloc (09022015). Collection method: clinical testing. Allele origin: germline.
Comment: In summary, the available evidence is currently insufficient to determine the role of this variant in disease. Therefore, it has been classified as a Variant of Uncertain Significance. Algorithms developed to predict the effect of missense changes on protein structure and function output the following: SIFT: "Not Available"; PolyPhen-2: "Benign"; Align-GVGD: "Not Available". The threonine amino acid residue is found in multiple mammalian species, which suggests that this missense change does not adversely affect protein function. ClinVar contains an entry for this variant (Variation ID: 1495926). This variant has not been reported in the literature in individuals affected with SLC9A3-related conditions. This variant is present in population databases (rs775487237, gnomAD 0.03%). This sequence change replaces serine, which is neutral and polar, with threonine, which is neutral and polar, at codon 703 of the SLC9A3 protein (p.Ser703Thr).

NM_004174.4(SLC9A3):c.2108G>C (p.Ser703Thr)

Genes: SLC9A3 (solute carrier family 9 member A3), SLC9A3-AS1 (SLC9A3 antisense RNA 1; plus strand). Cytogenetic location: 5p15.33.
Variant type: single nucleotide variant.
Coding change: c.2108G>C on transcript NM_004174.4 (MANE Select); coding-DNA position 2108, G replaced by C.
Protein change: p.Ser703Thr; replaces serine 703 with threonine.
Molecular consequence: missense variant.
Genome position (GRCh38, 1-based): chr5:476,052, C>G on the plus strand (G>C on the coding strand, the complement: SLC9A3 is on the minus strand). VCF-style: chr5-476052-C-G. GRCh37 (hg19) VCF-style: chr5-476167-C-G.
Other names: c.2081G>C, p.Ser694Thr (NM_001284351.3); c.2108G>C (NM_004174.2); short protein forms S703T, S694T.
Identifiers: ClinVar variation 1495926 (VCV001495926.7), dbSNP rs775487237, ClinGen allele CA3175564.